The following is an entry in ClinVar:

ClinVar aggregate classification (germline): Uncertain significance. Review status: criteria provided, single submitter (1 of 4 stars). 2 submissions from 1 submitter: Uncertain significance (2). Last evaluated 2024-04-26.

Conditions:
Isolated focal cortical dysplasia type II (FCORD2). Also called: Focal cortical dysplasia type II; CORTICAL DYSPLASIA OF TAYLOR. Identifiers: Orphanet 268994, MedGen C1846385, MONDO:0011818, OMIM 607341, HP:0032051.
Tuberous sclerosis 2 (TSC2). Identifiers: Orphanet 805, MedGen C1860707, MONDO:0013199, OMIM 613254.

Submissions (2):

Institute of Human Genetics, University of Leipzig Medical Center
Classification: Uncertain significance for Tuberous sclerosis 2. Last evaluated: 2024-04-26. Review status: criteria provided, single submitter. Criteria: ACMG Guidelines, 2015. Collection method: clinical testing. Allele origin: maternal. Inheritance: Autosomal dominant inheritance. Affected: yes.
Comment: Criteria applied: PM2_SUP,PP3

Institute of Human Genetics, University of Leipzig Medical Center
Classification: Uncertain significance for Isolated focal cortical dysplasia type II. Last evaluated: 2018-06-01. Review status: criteria provided, single submitter. Criteria: ACMG Guidelines, 2015. Collection method: clinical testing. Allele origin: germline. Affected: yes. Observed: 1 variant allele.

NM_000548.5(TSC2):c.2545+4A>G

Gene: TSC2 (TSC complex subunit 2; plus strand). Cytogenetic location: 16p13.3.
Variant type: single nucleotide variant.
Coding change: c.2545+4A>G on transcript NM_000548.5 (MANE Select); 4 bases into the intron after coding-DNA position 2545, A replaced by G.
Molecular consequence: intron variant.
Genome position (GRCh38, 1-based): chr16:2,074,393, A>G. VCF-style: chr16-2074393-A-G. GRCh37 (hg19) VCF-style: chr16-2124394-A-G.
Other names: c.2545+4A>G (NM_001114382.3, NM_021055.3, NM_001370405.1 and 3 more transcripts); c.2434+4A>G (NM_001318827.2); c.1945+4A>G (NM_001318831.2); c.2398+4A>G (NM_001318829.2); c.2578+4A>G (NM_001318832.2).
Identifiers: ClinVar variation 975896 (VCV000975896.4), dbSNP rs2088951100, ClinGen allele CA1139664316.